The following is an entry in ClinVar:

NM_021971.4(GMPPB):c.787G>A (p.Gly263Ser)

Gene: GMPPB (GDP-mannose pyrophosphorylase B; minus strand). Cytogenetic location: 3p21.31.
Variant type: single nucleotide variant.
Coding change: c.787G>A on transcript NM_021971.4 (MANE Select); coding-DNA position 787, G replaced by A.
Protein change: p.Gly263Ser; replaces glycine 263 with serine.
Molecular consequence: missense variant.
Genome position (GRCh38, 1-based): chr3:49,722,129, C>T on the plus strand (G>A on the coding strand, the complement: GMPPB is on the minus strand). VCF-style: chr3-49722129-C-T. GRCh37 (hg19) VCF-style: chr3-49759562-C-T.
Other names: c.787G>A, p.Gly263Ser (NM_013334.4); short protein forms G263S.
Identifiers: ClinVar variation 424382 (VCV000424382.2), dbSNP rs753366203, ClinGen allele CA2405434.

ClinVar aggregate classification (germline): Uncertain significance (1 of 4 stars; one submission).

Allele frequency attached by ClinVar (database versions not stated): gnomAD 0.00001; gnomAD exomes 0.00001 and below 0.00001; TOPMed 0.00001; ExAC 0.00001.

Submission:

GeneDx
Classification: Uncertain significance. Last evaluated: 2017-03-21. Review status: criteria provided, single submitter. Criteria: GeneDx Variant Classification (06012015). Collection method: clinical testing. Allele origin: germline. Affected: yes.
Comment: The G263S variant in the GMPPB gene has not been reported previously as a pathogenic variant, nor as a benign variant, to our knowledge. The G263S variant is not observed in large population cohorts (Lek et al., 2016; 1000 Genomes Consortium et al., 2015; Exome Variant Server). The G263S variant is a non-conservative amino acid substitution, which is likely to impact secondary protein structure as these residues differ in polarity, charge, size and/or other properties. This substitution occurs at a position that is conserved across species. In silico analysis predicts this variant is probably damaging to the protein structure/function. Missense variants in nearby residues (C266Y, R261C) have been reported in the Human Gene Mutation Database in association with congenital myasthenic syndrome and LGMD, respectively, (Stenson et al., 2014), supporting the functional importance of this region of the protein. We interpret G263S as a variant of uncertain significance.